The following is an entry in ClinVar:

ClinVar aggregate classification (germline): Likely benign (1 of 4 stars; one submission).

Submission:

CeGaT Center for Human Genetics Tuebingen
Classification: Likely benign. Last evaluated: 2022-10-01. Review status: criteria provided, single submitter. Criteria: CeGaT Center For Human Genetics Tuebingen Variant Classification Criteria Version 2. Collection method: clinical testing. Allele origin: germline. Affected: yes. Observed: 1 variant allele.
Comment: SPTBN4: PM2:Supporting, BP4, BP7

NM_020971.3(SPTBN4):c.5490G>A (p.Leu1830=)

Gene: SPTBN4 (spectrin beta, non-erythrocytic 4; plus strand). Cytogenetic location: 19q13.2.
Variant type: single nucleotide variant.
Coding change: c.5490G>A on transcript NM_020971.3 (MANE Select); coding-DNA position 5490, G replaced by A.
Protein change: p.Leu1830=; no amino-acid change (leucine 1830 retained).
Molecular consequence: synonymous variant.
Genome position (GRCh38, 1-based): chr19:40,557,223, G>A. VCF-style: chr19-40557223-G-A. GRCh37 (hg19) VCF-style: chr19-41063129-G-A.
Other names: c.1518G>A, p.Leu506= (NM_025213.3).
Identifiers: ClinVar variation 2649904 (VCV002649904.24), dbSNP rs2515188252, ClinGen allele CA507683246.